The following is an entry in ClinVar:

ClinVar aggregate classification (germline): Uncertain significance. Review status: criteria provided, multiple submitters, no conflicts (2 of 4 stars). 2 submissions from 2 submitters: Uncertain significance (2). Last evaluated 2025-11-03.

Conditions:
Inborn genetic diseases. Identifiers: MedGen C0950123, MeSH D030342.

Allele frequency attached by ClinVar (database versions not stated): gnomAD 0.00001; gnomAD exomes 0.00002; ExAC 0.00004.
gnomAD v4.1: 30 of 1,608,564 alleles (0.0019%); highest among the groups gnomAD compares: Admixed American, 0.017%; no homozygotes.

Submissions (2):

Labcorp Genetics (formerly Invitae), Labcorp
Classification: Uncertain significance. Last evaluated: 2025-11-03. Review status: criteria provided, single submitter. Criteria: Invitae Variant Classification Sherloc (09022015). Collection method: clinical testing. Allele origin: germline.
Comment: This sequence change replaces glycine, which is neutral and non-polar, with serine, which is neutral and polar, at codon 404 of the TONSL protein (p.Gly404Ser). This variant is present in population databases (rs780347294, gnomAD 0.02%). This variant has not been reported in the literature in individuals affected with TONSL-related conditions. ClinVar contains an entry for this variant (Variation ID: 1921151). Invitae Evidence Modeling of protein sequence and biophysical properties (such as structural, functional, and spatial information, amino acid conservation, physicochemical variation, residue mobility, and thermodynamic stability) indicates that this missense variant is expected to disrupt TONSL protein function with a positive predictive value of 80%. In summary, the available evidence is currently insufficient to determine the role of this variant in disease. Therefore, it has been classified as a Variant of Uncertain Significance.

Ambry Genetics
Classification: Uncertain significance for Inborn genetic diseases. Last evaluated: 2025-10-29. Review status: criteria provided, single submitter. Criteria: Ambry Variant Classification Scheme 2023. Collection method: clinical testing. Allele origin: germline.

NM_013432.5(TONSL):c.1210G>A (p.Gly404Ser)

Gene: TONSL (tonsoku like, DNA repair protein; minus strand). Cytogenetic location: 8q24.3.
Variant type: single nucleotide variant.
Coding change: c.1210G>A on transcript NM_013432.5 (MANE Select); coding-DNA position 1210, G replaced by A.
Protein change: p.Gly404Ser; replaces glycine 404 with serine.
Molecular consequence: missense variant.
Genome position (GRCh38, 1-based): chr8:144,440,431, C>T on the plus strand (G>A on the coding strand, the complement: TONSL is on the minus strand). VCF-style: chr8-144440431-C-T. GRCh37 (hg19) VCF-style: chr8-145665814-C-T.
Other names: c.1210G>A (NM_013432.4); short protein forms G404S.
Identifiers: ClinVar variation 1921151 (VCV001921151.5), dbSNP rs780347294, ClinGen allele CA4943330.